The following is an entry in ClinVar:

NM_014466.3(TEKT2):c.686C>T (p.Ala229Val)

Gene: TEKT2 (tektin 2; plus strand). Cytogenetic location: 1p34.3.
Variant type: single nucleotide variant.
Coding change: c.686C>T on transcript NM_014466.3 (MANE Select); coding-DNA position 686, C replaced by T.
Protein change: p.Ala229Val; replaces alanine 229 with valine.
Molecular consequence: missense variant.
Genome position (GRCh38, 1-based): chr1:36,086,984, C>T. VCF-style: chr1-36086984-C-T. GRCh37 (hg19) VCF-style: chr1-36552585-C-T.
Other names: short protein forms A229V.
Identifiers: ClinVar variation 2638661 (VCV002638661.24), dbSNP rs142723316, ClinGen allele CA764252.

ClinVar aggregate classification (germline): Likely benign (1 of 4 stars; one submission).

Allele frequency attached by ClinVar (database versions not stated): 1000 Genomes Project 30x 0.00031; 1000 Genomes Project 0.00040; ESP Exome Variant Server 0.00054; gnomAD 0.00066; ExAC 0.00071; TOPMed 0.00080.
gnomAD v4.1: 1,191 of 1,613,902 alleles (0.074%); highest among the groups gnomAD compares: Middle Eastern, 0.2%; 4 homozygotes.

Submission:

CeGaT Center for Human Genetics Tuebingen
Classification: Likely benign. Last evaluated: 2022-09-01. Review status: criteria provided, single submitter. Criteria: CeGaT Center For Human Genetics Tuebingen Variant Classification Criteria Version 2. Collection method: clinical testing. Allele origin: germline. Affected: yes. Observed: 1 variant allele.
Comment: TEKT2: BP4